The following is an entry in ClinVar:

NM_021978.4(ST14):c.185T>C (p.Leu62Pro)

Gene: ST14 (ST14 transmembrane serine protease matriptase; plus strand). Cytogenetic location: 11q24.3.
Variant type: single nucleotide variant.
Coding change: c.185T>C on transcript NM_021978.4 (MANE Select); coding-DNA position 185, T replaced by C.
Protein change: p.Leu62Pro; replaces leucine 62 with proline.
Molecular consequence: missense variant.
Genome position (GRCh38, 1-based): chr11:130,188,217, T>C. VCF-style: chr11-130188217-T-C. GRCh37 (hg19) VCF-style: chr11-130058112-T-C.
Other names: short protein forms L62P.
Identifiers: ClinVar variation 1254876 (VCV001254876.2), dbSNP rs1348174817, ClinGen allele CA383305675.
Genomic context (GRCh38, chr11:130,188,217, plus strand): 5'-ACAACGTCAAGAAGGTGGAAAAGCATGGCCCGGGGCGCTGGGTGGTGCTGGCAGCCGTGC[T>C]GATCGGCCTCCTCTTGGTCTTGCTGGGGATCGGCTTCCTGGTGTGGCATTTGCAGTGTGA-3'
Protein context (NP_068813.1, residues 52-72): PGRWVVLAAV[Leu62Pro]IGLLLVLLGI

ClinVar aggregate classification (germline): Uncertain significance (1 of 4 stars; one submission).

Allele frequency attached by ClinVar (database versions not stated): gnomAD exomes 0.00001.
gnomAD v4.1: 5 of 1,614,194 alleles (0.00031%); highest among the groups gnomAD compares: Admixed American, 0.0083%; no homozygotes.

Submission:

GeneDx
Classification: Uncertain significance. Last evaluated: 2021-07-29. Review status: criteria provided, single submitter. Criteria: GeneDx Variant Classification Process June 2021. Collection method: clinical testing. Allele origin: germline. Affected: yes.
Comment: In silico analysis supports that this missense variant does not alter protein structure/function; Has not been previously published as pathogenic or benign to our knowledge